The following is an entry in ClinVar:

NM_000549.5(TSHB):c.28del (p.Leu10fs)

Gene: TSHB (thyroid stimulating hormone subunit beta; plus strand). Cytogenetic location: 1p13.2.
Variant type: Deletion.
Coding change: c.28del on transcript NM_000549.5 (MANE Select); coding-DNA position 28, one base deleted (C; older notation c.28delC).
Protein change: p.Leu10fs; shifts the reading frame from leucine 10.
Molecular consequence: frameshift variant.
Genome position (GRCh38, 1-based): chr1:115,033,390, C deleted. VCF-style (leftmost placement, unchanged base first): chr1-115033389-GC-G. GRCh37 (hg19) VCF-style: chr1-115576010-GC-G.
Other names: short protein forms L10fs.
Identifiers: ClinVar variation 2761301 (VCV002761301.3), dbSNP rs2526214510, ClinGen allele CA2697554468.

ClinVar aggregate classification (germline): Pathogenic (1 of 4 stars; one submission).

Submission:

Labcorp Genetics (formerly Invitae), Labcorp
Classification: Pathogenic. Last evaluated: 2023-09-26. Review status: criteria provided, single submitter. Criteria: Invitae Variant Classification Sherloc (09022015). Collection method: clinical testing. Allele origin: germline.
Comment: This sequence change creates a premature translational stop signal (p.Leu10Phefs*31) in the TSHB gene. While this is not anticipated to result in nonsense mediated decay, it is expected to disrupt the last 129 amino acid(s) of the TSHB protein. This variant is not present in population databases (gnomAD no frequency). This variant has not been reported in the literature in individuals affected with TSHB-related conditions. This variant disrupts a region of the TSHB protein in which other variant(s) (p.Cys125Valfs*10) have been determined to be pathogenic (PMID: 8636437, 15297803, 22606512, 27362444, 31166470). This suggests that this is a clinically significant region of the protein, and that variants that disrupt it are likely to be disease-causing. For these reasons, this variant has been classified as Pathogenic.

Literature cited by the submitters: PubMed 8636437; PubMed 15297803; PubMed 22606512; PubMed 27362444; PubMed 31166470.